The following is an entry in ClinVar:

NM_002519.3(NPAT):c.3541C>G (p.Pro1181Ala)

Gene: NPAT (nuclear protein, coactivator of histone transcription; minus strand). Cytogenetic location: 11q22.3.
Variant type: single nucleotide variant.
Coding change: c.3541C>G on transcript NM_002519.3 (MANE Select); coding-DNA position 3541, C replaced by G.
Protein change: p.Pro1181Ala; replaces proline 1181 with alanine.
Molecular consequence: missense variant.
Genome position (GRCh38, 1-based): chr11:108,161,545, G>C on the plus strand (C>G on the coding strand, the complement: NPAT is on the minus strand). VCF-style: chr11-108161545-G-C. GRCh37 (hg19) VCF-style: chr11-108032272-G-C.
Other names: c.3562C>G, p.Pro1188Ala (NM_001321307.1); short protein forms P1181A, P1188A.
Identifiers: ClinVar variation 2562560 (VCV002562560.2), dbSNP rs1228723812, ClinGen allele CA382510577.

ClinVar aggregate classification (germline): Uncertain significance (1 of 4 stars; one submission).

Allele frequency attached by ClinVar (database versions not stated): gnomAD exomes below 0.00001; TOPMed below 0.00001; gnomAD 0.00001.
gnomAD v4.1: 4 of 1,614,018 alleles (0.00025%); highest among the groups gnomAD compares: Admixed American, 0.0067%; no homozygotes.

Submission:

Ambry Genetics
Classification: Uncertain significance. Last evaluated: 2023-05-18. Review status: criteria provided, single submitter. Criteria: Ambry Variant Classification Scheme 2023. Collection method: clinical testing. Allele origin: germline.
Comment: The p.P1181A variant (also known as c.3541C>G), located in coding exon 17 of the NPAT gene, results from a C to G substitution at nucleotide position 3541. The proline at codon 1181 is replaced by alanine, an amino acid with highly similar properties. This amino acid position is conserved. In addition, this alteration is predicted to be tolerated by in silico analysis. Since supporting evidence is limited at this time, the clinical significance of this alteration remains unclear.